The following is an entry in ClinVar:

NM_002474.3(MYH11):c.5799G>C (p.Glu1933Asp)

Genes: MYH11 (myosin heavy chain 11; minus strand), NDE1 (nudE neurodevelopment protein 1; plus strand). Cytogenetic location: 16p13.11.
Variant type: single nucleotide variant.
Coding change: c.5799G>C on transcript NM_002474.3 (MANE Select); coding-DNA position 5799, G replaced by C.
Protein change: p.Glu1933Asp; replaces glutamic acid 1933 with aspartic acid.
Molecular consequence: missense variant. On other transcripts: 3 prime UTR variant (2), intron variant (2).
Genome position (GRCh38, 1-based): chr16:15,704,111, C>G on the plus strand (G>C on the coding strand, the complement: MYH11 is on the minus strand). VCF-style: chr16-15704111-C-G. GRCh37 (hg19) VCF-style: chr16-15797968-C-G.
Other names: c.*21G>C (NM_001040113.2, NM_022844.3); c.5820G>C, p.Glu1940Asp (NM_001040114.2); c.947+7251C>G (NM_001143979.2, NM_017668.3); short protein forms E1933D, E1940D.
Identifiers: ClinVar variation 3234730 (VCV003234730.20), dbSNP rs746791674, ClinGen allele CA7921064.

ClinVar aggregate classification (germline): Uncertain significance (1 of 4 stars; one submission).

Allele frequency attached by ClinVar (database versions not stated): gnomAD exomes below 0.00001; ExAC 0.00001.
gnomAD v4.1: 6 of 1,614,102 alleles (0.00037%); highest among the groups gnomAD compares: Non-Finnish European, 0.00051%; no homozygotes.

Submission:

CeGaT Center for Human Genetics Tuebingen
Classification: Uncertain significance. Last evaluated: 2024-04-01. Review status: criteria provided, single submitter. Criteria: CeGaT Center For Human Genetics Tuebingen Variant Classification Criteria Version 2. Collection method: clinical testing. Allele origin: germline. Affected: yes. Observed: 1 variant allele.
Comment: MYH11: PM2